The following is an entry in ClinVar:

ClinVar aggregate classification (germline): Uncertain significance (1 of 4 stars; one submission).

Conditions:
Alzheimer disease. Also called: Presenile and senile dementia; Alzheimer's disease. Identifiers: Orphanet 1020, MedGen C0002395, MeSH D000544, MONDO:0004975, HP:0002511.

Submission:

Labcorp Genetics (formerly Invitae), Labcorp
Classification: Uncertain significance for Alzheimer disease. Last evaluated: 2025-03-20. Review status: criteria provided, single submitter. Criteria: Invitae Variant Classification Sherloc (09022015). Collection method: clinical testing. Allele origin: germline.
Comment: This sequence change replaces lysine, which is basic and polar, with arginine, which is basic and polar, at codon 724 of the APP protein (p.Lys724Arg). This variant is not present in population databases (gnomAD no frequency). This variant has not been reported in the literature in individuals affected with APP-related conditions. Invitae Evidence Modeling of protein sequence and biophysical properties (such as structural, functional, and spatial information, amino acid conservation, physicochemical variation, residue mobility, and thermodynamic stability) has been performed for this missense variant. However, the output from this modeling did not meet the statistical confidence thresholds required to predict the impact of this variant on APP protein function. This variant disrupts the p.Lys724 amino acid residue in APP. Other variant(s) that disrupt this residue have been observed in individuals with APP-related conditions (PMID: 25018108, 28350801), which suggests that this may be a clinically significant amino acid residue. In summary, the available evidence is currently insufficient to determine the role of this variant in disease. Therefore, it has been classified as a Variant of Uncertain Significance.

Literature cited by the submitters: PubMed 25018108; PubMed 28350801.

NM_000484.4(APP):c.2171A>G (p.Lys724Arg)

Gene: APP (amyloid beta precursor protein; minus strand). Cytogenetic location: 21q21.3.
Variant type: single nucleotide variant.
Coding change: c.2171A>G on transcript NM_000484.4 (MANE Select); coding-DNA position 2171, A replaced by G.
Protein change: p.Lys724Arg; replaces lysine 724 with arginine.
Molecular consequence: missense variant.
Genome position (GRCh38, 1-based): chr21:25,891,762, T>C on the plus strand (A>G on the coding strand, the complement: APP is on the minus strand). VCF-style: chr21-25891762-T-C. GRCh37 (hg19) VCF-style: chr21-27264074-T-C.
Other names: c.2099A>G, p.Lys700Arg (NM_001136016.3); c.1778A>G, p.Lys593Arg (NM_001136129.3); c.2003A>G, p.Lys668Arg (NM_001136130.3, NM_001385253.1); c.1841A>G, p.Lys614Arg (NM_001136131.3); c.2117A>G, p.Lys706Arg (NM_001204301.2); c.2060A>G, p.Lys687Arg (NM_001204302.2); c.1892A>G, p.Lys631Arg (NM_001204303.2); c.2114A>G, p.Lys705Arg (NM_201413.3); and 1 more; short protein forms K593R, K631R, K649R, K705R, K724R, K614R, K668R, K706R.
Identifiers: ClinVar variation 4745263 (VCV004745263.1).